The following is an entry in ClinVar:

NM_152564.5(VPS13B):c.1909C>T (p.Pro637Ser)

Gene: VPS13B (vacuolar protein sorting 13 homolog B; plus strand). Cytogenetic location: 8q22.2.
Variant type: single nucleotide variant.
Coding change: c.1909C>T on transcript NM_152564.5 (MANE Select); coding-DNA position 1909, C replaced by T.
Protein change: p.Pro637Ser; replaces proline 637 with serine.
Molecular consequence: missense variant.
Genome position (GRCh38, 1-based): chr8:99,147,906, C>T. VCF-style: chr8-99147906-C-T. GRCh37 (hg19) VCF-style: chr8-100160134-C-T.
Other names: c.1909C>T, p.Pro637Ser (NM_015243.3, NM_017890.5); short protein forms P637S.
Identifiers: ClinVar variation 4992167 (VCV004992167.1).

ClinVar aggregate classification (germline): Uncertain significance (1 of 4 stars; one submission).

Conditions:
VPS13B-related disorder. Also called: VPS13B-related condition.

gnomAD v4.1: 1 of 1,613,034 alleles (0.000062%); highest among the groups gnomAD compares: Non-Finnish European, 0.000085%; no homozygotes.

Submission:

PreventionGenetics, part of Exact Sciences
Classification: Uncertain significance for VPS13B-related condition. Last evaluated: 2026-09-04. Review status: criteria provided, single submitter. Criteria: ACMG Guidelines, 2015. Collection method: clinical testing. Allele origin: germline.
Comment: The VPS13B c.1909C>T variant is predicted to result in the amino acid substitution p.Pro637Ser. To our knowledge, this variant has not been reported in the literature or in a large population database (gnomAD), indicating this variant is rare. At this time, the clinical significance of this variant is uncertain due to the absence of conclusive functional and genetic evidence.